The following is an entry in ClinVar:

ClinVar aggregate classification (germline): Uncertain significance (1 of 4 stars; one submission).

gnomAD v4.1: 1 of 1,612,894 alleles (0.000062%); highest among the groups gnomAD compares: Non-Finnish European, 0.000085%; no homozygotes.

Submission:

GeneDx
Classification: Uncertain significance. Last evaluated: 2024-07-01. Review status: criteria provided, single submitter. Criteria: GeneDx Variant Classification Process June 2021. Collection method: clinical testing. Allele origin: germline. Affected: yes.
Comment: Not observed at significant frequency in large population cohorts (gnomAD); In silico analysis supports that this missense variant has a deleterious effect on protein structure/function; Has not been previously published as pathogenic or benign to our knowledge

NM_001374353.1(GLI2):c.508G>A (p.Gly170Ser)

Gene: GLI2 (GLI family zinc finger 2; plus strand). Cytogenetic location: 2q14.2.
Variant type: single nucleotide variant.
Coding change: c.508G>A on transcript NM_001374353.1 (MANE Select); coding-DNA position 508, G replaced by A.
Protein change: p.Gly170Ser; replaces glycine 170 with serine.
Molecular consequence: missense variant.
Genome position (GRCh38, 1-based): chr2:120,955,295, G>A. VCF-style: chr2-120955295-G-A. GRCh37 (hg19) VCF-style: chr2-121712871-G-A.
Other names: c.508G>A, p.Gly170Ser (NM_001371271.1, NM_005270.5); c.133G>A, p.Gly45Ser (NM_001374354.1); short protein forms G170S, G45S.
Identifiers: ClinVar variation 3393725 (VCV003393725.1).